The following is an entry in ClinVar:

ClinVar aggregate classification (germline): Uncertain significance (1 of 4 stars; one submission).

Conditions:
Saldino-Mainzer syndrome (SRTD9). Also called: short-rib thoracic dysplasia 9 with or without polydactyly; CONORENAL SYNDROME; Renal dysplasia, retinal pigmentary dystrophy, cerebellar ataxia and skeletal dysplasia; SHORT-RIB THORACIC DYSPLASIA 9 WITHOUT POLYDACTYLY. Identifiers: Orphanet 140969, MedGen C1849437, MONDO:0009964, OMIM 266920.

gnomAD v4.1: 3 of 1,597,332 alleles (0.00019%); highest among the groups gnomAD compares: Non-Finnish European, 0.00026%; no homozygotes.

Submission:

Labcorp Genetics (formerly Invitae), Labcorp
Classification: Uncertain significance for Saldino-Mainzer syndrome. Last evaluated: 2022-07-05. Review status: criteria provided, single submitter. Criteria: Invitae Variant Classification Sherloc (09022015). Collection method: clinical testing. Allele origin: germline.
Comment: In summary, the available evidence is currently insufficient to determine the role of this variant in disease. Therefore, it has been classified as a Variant of Uncertain Significance. Algorithms developed to predict the effect of missense changes on protein structure and function are either unavailable or do not agree on the potential impact of this missense change (SIFT: "Tolerated"; PolyPhen-2: "Possibly Damaging"; Align-GVGD: "Class C0"). This variant has not been reported in the literature in individuals affected with IFT140-related conditions. This variant is not present in population databases (gnomAD no frequency). This sequence change replaces glutamic acid, which is acidic and polar, with lysine, which is basic and polar, at codon 844 of the IFT140 protein (p.Glu844Lys).

NM_014714.4(IFT140):c.2530G>A (p.Glu844Lys)

Gene: IFT140 (intraflagellar transport 140; minus strand). Cytogenetic location: 16p13.3.
Variant type: single nucleotide variant.
Coding change: c.2530G>A on transcript NM_014714.4 (MANE Select); coding-DNA position 2530, G replaced by A.
Protein change: p.Glu844Lys; replaces glutamic acid 844 with lysine.
Molecular consequence: missense variant.
Genome position (GRCh38, 1-based): chr16:1,526,666, C>T on the plus strand (G>A on the coding strand, the complement: IFT140 is on the minus strand). VCF-style: chr16-1526666-C-T. GRCh37 (hg19) VCF-style: chr16-1576667-C-T.
Other names: short protein forms E844K.
Identifiers: ClinVar variation 2159427 (VCV002159427.4), dbSNP rs768971224, ClinGen allele CA394228127.